The following is an entry in ClinVar:

NM_032638.5(GATA2):c.201_204del (p.Arg69fs)

Gene: GATA2 (GATA binding protein 2; minus strand). Cytogenetic location: 3q21.3.
Variant type: Deletion.
Coding change: c.201_204del on transcript NM_032638.5 (MANE Select); coding-DNA positions 201 to 204, 4 bases deleted (GGCG; older notation c.201_204delGGCG).
Protein change: p.Arg69fs; shifts the reading frame from arginine 69.
Molecular consequence: frameshift variant.
Genome position (GRCh38, 1-based): chr3:128,486,828-128,486,831, CGCC deleted on the plus strand (GGCG on the coding strand, the reverse complement: GATA2 is on the minus strand); deleting any 4 consecutive bases within chr3:128,486,828-128,486,834 gives the same sequence; the c. name uses the placement nearest the transcript's 3' end. VCF-style (leftmost placement, unchanged base first): chr3-128486827-GCGCC-G. GRCh37 (hg19) VCF-style: chr3-128205670-GCGCC-G.
Other names: c.201_204del, p.Arg69fs (NM_001145661.2, NM_001145662.1); short protein forms R69fs.
Identifiers: ClinVar variation 3752077 (VCV003752077.2).
Genomic context (GRCh38, chr3:128,486,827, plus strand): 5'-CGCCTGGGTTCTCATCACCACGGGCCCAGTGCTCACCGTGCGCGGGGCTGTAGGAGACGC[GCGCC>G]CGCGCGTGAGCGGGGTTGGCATAGTAGGGGTTGCCCTGCGAGTCGAGGTGATTGAAGAAG-3'

ClinVar aggregate classification (germline): Pathogenic (1 of 4 stars; one submission).

Conditions:
Deafness-lymphedema-leukemia syndrome. Also called: Emberger syndrome; Lymphedema, primary, with myelodysplasia. Identifiers: Orphanet 3226, MedGen C3279664, MONDO:0013540, OMIM 614038.
Monocytopenia with susceptibility to infections. Also called: MONOCYTOPENIA AND MYCOBACTERIAL INFECTION SYNDROME; MONOCYTOPENIA WITH SUSCEPTIBILITY TO MYCOBACTERIAL, FUNGAL, AND PAPILLOMAVIRUS INFECTIONS AND MYELODYSPLASIA; COMBINED IMMUNODEFICIENCY WITH SUSCEPTIBILITY TO MYCOBACTERIAL, VIRAL, AND FUNGAL INFECTIONS; Dendritic cell, monocyte, B lymphocyte, and natural killer lymphocyte deficiency; IMMUNODEFICIENCY 21; GATA2 DEFICIENCY. Identifiers: Orphanet 228423, MedGen C3280030, MONDO:0013607, OMIM 614172.

Submission:

Labcorp Genetics (formerly Invitae), Labcorp
Classification: Pathogenic for Monocytopenia with susceptibility to infections; Deafness-lymphedema-leukemia syndrome. Last evaluated: 2024-10-05. Review status: criteria provided, single submitter. Criteria: Invitae Variant Classification Sherloc (09022015). Collection method: clinical testing. Allele origin: germline.
Comment: This sequence change creates a premature translational stop signal (p.Arg69Serfs*10) in the GATA2 gene. It is expected to result in an absent or disrupted protein product. Loss-of-function variants in GATA2 are known to be pathogenic (PMID: 21670465, 23223431). This variant is not present in population databases (gnomAD no frequency). This variant has not been reported in the literature in individuals affected with GATA2-related conditions. For these reasons, this variant has been classified as Pathogenic.

Literature cited by the submitters: PubMed 21670465; PubMed 23223431.